The following is an entry in ClinVar:

NM_001029883.3(PCARE):c.2639C>T (p.Pro880Leu)

Gene: PCARE (photoreceptor cilium actin regulator; minus strand). Cytogenetic location: 2p23.2.
Variant type: single nucleotide variant.
Coding change: c.2639C>T on transcript NM_001029883.3 (MANE Select); coding-DNA position 2639, C replaced by T.
Protein change: p.Pro880Leu; replaces proline 880 with leucine.
Molecular consequence: missense variant.
Genome position (GRCh38, 1-based): chr2:29,071,623, G>A on the plus strand (C>T on the coding strand, the complement: PCARE is on the minus strand). VCF-style: chr2-29071623-G-A. GRCh37 (hg19) VCF-style: chr2-29294489-G-A.
Other names: short protein forms P880L.
Identifiers: ClinVar variation 939086 (VCV000939086.7), dbSNP rs577130359, ClinGen allele CA1592154.

ClinVar aggregate classification (germline): Uncertain significance (1 of 4 stars; one submission).

Allele frequency attached by ClinVar (database versions not stated): gnomAD exomes below 0.00001 and 0.00001; gnomAD 0.00002 and 0.00003; ExAC 0.00003; TOPMed 0.00003; 1000 Genomes Project 0.00020; 1000 Genomes Project 30x 0.00031.
gnomAD v4.1: 5 of 1,613,496 alleles (0.00031%); highest among the groups gnomAD compares: African/African-American, 0.0067%; no homozygotes.

Submission:

Labcorp Genetics (formerly Invitae), Labcorp
Classification: Uncertain significance. Last evaluated: 2022-03-09. Review status: criteria provided, single submitter. Criteria: Invitae Variant Classification Sherloc (09022015). Collection method: clinical testing. Allele origin: germline.
Comment: This sequence change replaces proline, which is neutral and non-polar, with leucine, which is neutral and non-polar, at codon 880 of the PCARE protein (p.Pro880Leu). The frequency data for this variant in the population databases is considered unreliable, as metrics indicate poor data quality at this position in the gnomAD database. This variant has not been reported in the literature in individuals affected with PCARE-related conditions. ClinVar contains an entry for this variant (Variation ID: 939086). Algorithms developed to predict the effect of missense changes on protein structure and function output the following: SIFT: "Deleterious"; PolyPhen-2: "Benign"; Align-GVGD: "Class C65". The leucine amino acid residue is found in multiple mammalian species, which suggests that this missense change does not adversely affect protein function. In summary, the available evidence is currently insufficient to determine the role of this variant in disease. Therefore, it has been classified as a Variant of Uncertain Significance.